The following is an entry in ClinVar:

ClinVar aggregate classification (germline): Benign (1 of 4 stars; one submission).

Conditions:
Neuropathy, hereditary sensory and autonomic, type 1A (HSAN1A). Also called: NEUROPATHY, HEREDITARY SENSORY AND AUTONOMIC, TYPE IA; HSAN IA; HSN IA; NEUROPATHY, HEREDITARY SENSORY RADICULAR, AUTOSOMAL DOMINANT, TYPE 1A; SPTLC1-Related Hereditary Sensory Neuropathy. Identifiers: MedGen C5235211, MONDO:0008086, OMIM 162400.

Allele frequency attached by ClinVar (database versions not stated): TOPMed 0.00002; ExAC 0.00008; 1000 Genomes Project 0.00040; 1000 Genomes Project 30x 0.00062.
gnomAD v4.1: 35 of 1,532,076 alleles (0.0023%); highest among the groups gnomAD compares: East Asian, 0.078%; no homozygotes.

Submission:

Illumina Laboratory Services, Illumina
Classification: Benign for Neuropathy, hereditary sensory and autonomic, type 1A. Last evaluated: 2018-01-13. Review status: criteria provided, single submitter. Criteria: ICSL Variant Classification Criteria 13 December 2019. Collection method: clinical testing. Allele origin: germline.
Comment: This variant was observed in the ICSL laboratory as part of a predisposition screen in an ostensibly healthy population. It had not been previously curated by ICSL or reported in the Human Gene Mutation Database (HGMD: prior to June 1st, 2018), and was therefore a candidate for classification through an automated scoring system. Utilizing variant allele frequency, disease prevalence and penetrance estimates, and inheritance mode, an automated score was calculated to assess if this variant is too frequent to cause the disease. Based on the score and internal cut-off values, a variant classified as benign is not then subjected to further curation. The score for this variant resulted in a classification of benign for this disease.

NM_006415.4(SPTLC1):c.*190A>C

Gene: SPTLC1 (serine palmitoyltransferase long chain base subunit 1; minus strand). Cytogenetic location: 9q22.31.
Variant type: single nucleotide variant.
Coding change: c.*190A>C on transcript NM_006415.4 (MANE Select); 190 bases downstream of the stop codon, A replaced by C.
Molecular consequence: 3 prime UTR variant.
Genome position (GRCh38, 1-based): chr9:92,032,275, T>G on the plus strand (A>C on the coding strand, the complement: SPTLC1 is on the minus strand). VCF-style: chr9-92032275-T-G. GRCh37 (hg19) VCF-style: chr9-94794557-T-G.
Other names: c.*38A>C (NM_001281303.2); c.*190A>C (NM_001368272.1, NM_001368273.1).
Identifiers: ClinVar variation 367540 (VCV000367540.5), dbSNP rs552433019, ClinGen allele CA5121160.